The following is an entry in ClinVar:

ClinVar aggregate classification (germline): Uncertain significance. Review status: criteria provided, multiple submitters, no conflicts (2 of 4 stars). 5 submissions from 5 submitters: Uncertain significance (5). Last evaluated 2026-07-08.

Conditions:
TTN-related disorder. Also called: TTN-related condition; TTN-related disease; TTN-related disorders.
Cardiomyopathy (CMYO). Also called: Cardiomyopathies. Identifiers: Orphanet 167848, MedGen C0878544, MONDO:0004994, HP:0001638. Inheritance: Various modes of inheritance.
Autosomal recessive titinopathy. Identifiers: MedGen CN315649, MONDO:0100493.
Dilated cardiomyopathy 1G (CMD1G). Identifiers: Orphanet 154, MedGen C1858763, MONDO:0011400, OMIM 604145.
Autosomal recessive limb-girdle muscular dystrophy type 2J (LGMDR10). Also called: MUSCULAR DYSTROPHY, LIMB-GIRDLE, AUTOSOMAL RECESSIVE 10; Limb-girdle muscular dystrophy, type 2J. Identifiers: Orphanet 140922, MedGen C1837342, MONDO:0012127, OMIM 608807.

Allele frequency attached by ClinVar (database versions not stated): ESP Exome Variant Server 0.00008; gnomAD 0.00008 and 0.00009; TOPMed 0.00010; ExAC 0.00005; gnomAD exomes 0.00005.
gnomAD v4.1: 53 of 1,596,064 alleles (0.0033%); highest among the groups gnomAD compares: Admixed American, 0.014%; no homozygotes.

Submissions (5):

Victorian Clinical Genetics Services, Murdoch Childrens Research Institute
Classification: Uncertain significance for Autosomal recessive titinopathy. Last evaluated: 2026-07-08. Review status: criteria provided, single submitter. Criteria: ACMG Guidelines, 2015. Collection method: clinical testing. Allele origin: germline. Affected: yes.
Comment: This variant is classified as VUS-3B. Evidence in support of pathogenic classification: Variant is present in gnomAD <0.01 (v4: 53 heterozygote(s), 0 homozygote(s)); Heterozygous variant detected in trans with a second PATHOGENIC heterozygous variant (NM_001267550.2(TTN):c.85878T>G; p.(Tyr28626*)) in a recessive disease. Additional information: Variant is predicted to result in a missense amino acid change from Arg to His; This variant is heterozygous; This gene is associated with both recessive and dominant disease (OMIM); Alternative amino acid change(s) at the same position are present in gnomAD (highest allele count: v4: 69 heterozygote(s), 0 homozygote(s)); Previous evidence of pathogenicity for this variant is inconclusive. This variant has been classified as a VUS by clinical laboratories in ClinVar. It has also been reported in an individual with titinopathy-related symptoms with a second TTN missense variant (PMID: 37926714) and a child with dilated cardiomyopathy secondary to myocarditis (PMID: 41347311); No published evidence of segregation with disease has been identified for this variant; No published functional evidence has been identified for this variant; Another missense variant comparable to the one identified in this case has inconclusive previous evidence for pathogenicity. The p.(Arg20446Cys) variant has been classified as a VUS by clinical laboratories in ClinVar; Variant is located in the annotated fibronectin type III domain in the A-band and the exon has a PSI score of 100% (DECIPHER, PMID: 25589632); Missense variant with inconclusive in silico prediction and/or uninformative conservation; Loss of function is a known mechanism of disease in this gene. In addition, dominant negative is also a suggested mechanism (PMID: 25589632).

PreventionGenetics, part of Exact Sciences
Classification: Uncertain significance for TTN-related condition. Last evaluated: 2026-05-21. Review status: criteria provided, single submitter. Criteria: ACMG Guidelines, 2015. Collection method: clinical testing. Allele origin: germline.
Comment: The TTN c.61337G>A variant is predicted to result in the amino acid substitution p.Arg20446His. To our knowledge, this variant has not been reported in the literature. This variant is reported in 0.010% of alleles in individuals of East Asian descent in gnomAD. At this time, the clinical significance of this variant is uncertain due to the absence of conclusive functional and genetic evidence.

CHEO Genetics Diagnostic Laboratory, Children's Hospital of Eastern Ontario
Classification: Uncertain significance for Cardiomyopathy. Last evaluated: 2021-04-23. Review status: criteria provided, single submitter. Criteria: ACMG Guidelines, 2015. Collection method: clinical testing. Allele origin: germline.

Revvity Omics, Revvity
Classification: Uncertain significance. Last evaluated: 2019-05-13. Review status: criteria provided, single submitter. Criteria: ACMG Guidelines, 2015. Collection method: clinical testing. Allele origin: germline.

Labcorp Genetics (formerly Invitae), Labcorp
Classification: Uncertain significance for Dilated cardiomyopathy 1G; Autosomal recessive limb-girdle muscular dystrophy type 2J. Last evaluated: 2017-10-12. Review status: criteria provided, single submitter. Criteria: Invitae Variant Classification Sherloc (09022015). Collection method: clinical testing. Allele origin: germline.

Literature cited by the submitters: PubMed 25589632 (cited by Victorian Clinical Genetics Services, Murdoch Childrens Research Institute).

NM_001267550.2(TTN):c.61337G>A (p.Arg20446His)

Genes: TTN (titin; minus strand), TTN-AS1 (TTN antisense RNA 1; plus strand). Cytogenetic location: 2q31.2.
Variant type: single nucleotide variant.
Coding change: c.61337G>A on transcript NM_001267550.2 (MANE Select); coding-DNA position 61337, G replaced by A.
Protein change: p.Arg20446His; replaces arginine 20446 with histidine.
Molecular consequence: missense variant.
Genome position (GRCh38, 1-based): chr2:178,590,388, C>T on the plus strand (G>A on the coding strand, the complement: TTN is on the minus strand). VCF-style: chr2-178590388-C-T. GRCh37 (hg19) VCF-style: chr2-179455115-C-T.
Other names: c.56414G>A, p.Arg18805His (NM_001256850.1); c.34142G>A, p.Arg11381His (NM_003319.4); c.53633G>A, p.Arg17878His (NM_133378.4); c.34517G>A, p.Arg11506His (NM_133432.3); c.34718G>A, p.Arg11573His (NM_133437.4); short protein forms R20446H, R11381H, R11506H, R17878H, R11573H, R18805H.
Identifiers: ClinVar variation 535434 (VCV000535434.10), dbSNP rs368278158, ClinGen allele CA1992380.